The following is an entry in ClinVar:

ClinVar aggregate classification (germline): Likely benign (1 of 4 stars; one submission).

Submission:

CeGaT Center for Human Genetics Tuebingen
Classification: Likely benign. Last evaluated: 2023-02-01. Review status: criteria provided, single submitter. Criteria: CeGaT Center For Human Genetics Tuebingen Variant Classification Criteria Version 2. Collection method: clinical testing. Allele origin: germline. Affected: yes. Observed: 1 variant allele.
Comment: RAG2: PM2:Supporting, BP4, BP7

NM_000536.4(RAG2):c.1392C>A (p.Arg464=)

Gene: RAG2 (recombination activating 2; minus strand). Cytogenetic location: 11p12.
Variant type: single nucleotide variant.
Coding change: c.1392C>A on transcript NM_000536.4 (MANE Select); coding-DNA position 1392, C replaced by A.
Protein change: p.Arg464=; no amino-acid change (arginine 464 retained).
Molecular consequence: synonymous variant.
Genome position (GRCh38, 1-based): chr11:36,592,777, G>T on the plus strand (C>A on the coding strand, the complement: RAG2 is on the minus strand). VCF-style: chr11-36592777-G-T. GRCh37 (hg19) VCF-style: chr11-36614327-G-T.
Other names: c.1392C>A, p.Arg464= (NM_001243785.2, NM_001243786.2).
Identifiers: ClinVar variation 2641727 (VCV002641727.24), dbSNP rs780684558, ClinGen allele CA474032920.